The following is an entry in ClinVar:

NM_007294.4(BRCA1):c.1534C>G (p.Leu512Val)

Gene: BRCA1 (BRCA1 DNA repair associated; minus strand). Cytogenetic location: 17q21.31.
Variant type: single nucleotide variant.
Coding change: c.1534C>G on transcript NM_007294.4 (MANE Select); coding-DNA position 1534, C replaced by G.
Protein change: p.Leu512Val; replaces leucine 512 with valine.
Molecular consequence: missense variant. On other transcripts: intron variant (137).
Genome position (GRCh38, 1-based): chr17:43,093,997, G>C on the plus strand (C>G on the coding strand, the complement: BRCA1 is on the minus strand). VCF-style: chr17-43093997-G-C. GRCh37 (hg19) VCF-style: chr17-41246014-G-C.
Other names: c.1531C>G, p.Leu511Val (NM_001407613.1, NM_001407614.1, NM_001407615.1 and 22 more transcripts); c.1534C>G, p.Leu512Val (NM_001407616.1, NM_001407617.1, NM_001407618.1 and 30 more transcripts); c.1456C>G, p.Leu486Val (NM_001407654.1, NM_001407655.1, NM_001407656.1 and 4 more transcripts); c.1453C>G, p.Leu485Val (NM_001407659.1, NM_001407660.1, NM_001407661.1 and 1 more transcripts); c.1408C>G, p.Leu470Val (NM_001407673.1, NM_001407649.1, NM_001407670.1 and 11 more transcripts); c.1411C>G, p.Leu471Val (NM_001407674.1, NM_001407675.1, NM_001407676.1 and 19 more transcripts); c.1393C>G, p.Leu465Val (NM_001407692.1, NM_001407694.1, NM_001407695.1 and 29 more transcripts); c.1390C>G, p.Leu464Val (NM_001407740.1, NM_001407741.1, NM_001407742.1 and 20 more transcripts); and 40 more; short protein forms L512V, L465V, L385V, L464V, L470V, L485V, L216V, L401V.
Identifiers: ClinVar variation 141741 (VCV000141741.62), dbSNP rs41286294, ClinGen allele CA001034.
Genomic context (GRCh38, chr17:43,093,997, plus strand): 5'-TCATTTCAGGAGTCTTTTGAACTGCCAAATCTGCTTTCTTGATAAAATCCTCAGGATGAA[G>C]GCCTGATGTAGGTCTCCTTTTACGCTTTAATTTATTTGTGAGGGGACGCTCTTGTATTAT-3'
Protein context (NP_009225.1, residues 502-522): LKRKRRPTSG[Leu512Val]HPEDFIKKAD

ClinVar aggregate classification (germline): Conflicting classifications of pathogenicity. Review status: criteria provided, conflicting classifications (1 of 4 stars). 11 submissions from 11 submitters: Uncertain significance (7); Likely benign (3). 1 of the submissions does not count toward it. Last evaluated 2026-04-17.

Conditions:
Hereditary cancer-predisposing syndrome. Also called: Tumor predisposition; Hereditary neoplastic syndrome; Hereditary Cancer Syndrome; Neoplastic Syndromes, Hereditary. Identifiers: Orphanet 140162, MedGen C0027672, MeSH D009386, MONDO:0015356.
Hereditary breast ovarian cancer syndrome. Also called: Hereditary breast and ovarian cancer; Hereditary breast and/or ovarian cancer syndrome; BRCA1- and BRCA2-Associated Hereditary Breast and Ovarian Cancer; Hereditary breast and ovarian cancer syndrome (HBOC); Hereditary breast and ovarian cancer syndrome; Breast and ovarian cancer. Identifiers: Orphanet 145, MedGen C0677776, MeSH D061325, MONDO:0003582. Disease mechanism: loss of function.
Breast-ovarian cancer, familial, susceptibility to, 1 (BROVCA1). Also called: BRCA1 Hereditary Breast and Ovarian Cancer; OVARIAN CANCER, SUSCEPTIBILITY TO. Identifiers: Orphanet 145, MedGen C2676676, MONDO:0011450, OMIM 604370. Disease mechanism: loss of function.

gnomAD v4.1: 2 of 1,613,942 alleles (0.00012%); highest among the groups gnomAD compares: Non-Finnish European, 0.00017%; no homozygotes.

Submissions (11):

Ambry Genetics
Classification: Uncertain significance for Hereditary cancer-predisposing syndrome. Last evaluated: 2026-04-17. Review status: criteria provided, single submitter. Criteria: Ambry Variant Classification Scheme 2023. Collection method: clinical testing. Allele origin: germline.
Comment: The p.L512V variant (also known as c.1534C>G), located in coding exon 9 of the BRCA1 gene, results from a C to G substitution at nucleotide position 1534. The leucine at codon 512 is replaced by valine, an amino acid with highly similar properties. This variant has been reported in a breast cancer patient from a cohort of 4034 cancer cases from The Cancer Genome Atlas, and was functional in a homology directed DNA repair (HDR) assay (Lu C et al. Nat Commun, 2015 Dec;6:10086). This variant was detected as homozygous in individual(s) with no reported features of BRCA1-related Fanconi anemia (Ambry internal data). This amino acid position is highly conserved in available vertebrate species. In addition, this alteration is predicted to be deleterious by in silico analysis. Based on the available evidence, the clinical significance of this variant remains unclear.

Labcorp Genetics (formerly Invitae), Labcorp
Classification: Likely benign for Hereditary breast ovarian cancer syndrome. Last evaluated: 2025-12-03. Review status: criteria provided, single submitter. Criteria: Invitae Variant Classification Sherloc (09022015). Collection method: clinical testing. Allele origin: germline.

Color Diagnostics, LLC DBA Color Health
Classification: Uncertain significance for Hereditary cancer-predisposing syndrome. Last evaluated: 2025-06-23. Review status: criteria provided, single submitter. Criteria: ACMG Guidelines, 2015. Collection method: clinical testing. Allele origin: germline.
Comment: This missense variant replaces leucine with valine at codon 512 of the BRCA1 protein. Computational prediction is inconclusive regarding the impact of this variant on protein structure and function. A functional study has shown this variant to exhibit neutral impact on homology-directed repair activity (PMID: 26689913). This variant has been reported in individuals affected with breast and/or ovarian cancer (PMID: 18273839, 26689913). This variant has been identified in 1/250832 chromosomes in the general population by the Genome Aggregation Database (gnomAD). The available evidence is insufficient to determine the role of this variant in disease conclusively. Therefore, this variant is classified as a Variant of Uncertain Significance.

GeneDx
Classification: Uncertain significance. Last evaluated: 2024-03-17. Review status: criteria provided, single submitter. Criteria: GeneDx Variant Classification Process June 2021. Collection method: clinical testing. Allele origin: germline. Affected: yes.
Comment: Published functional study demonstrates homology directed repair activity comparable to wild-type (PMID: 26689913); Not observed at significant frequency in large population cohorts (gnomAD); In silico analysis supports that this missense variant has a deleterious effect on protein structure/function; Also known as 1653C>G; This variant is associated with the following publications: (PMID: 23893897, 25348012, 18273839, 15343273, 31131967, 29684080, 26689913)

Women's Health and Genetics/Laboratory Corporation of America, LabCorp
Classification: Uncertain significance. Last evaluated: 2024-03-12. Review status: criteria provided, single submitter. Criteria: LabCorp Variant Classification Summary - May 2015. Collection method: clinical testing. Allele origin: germline.
Comment: Variant summary: BRCA1 c.1534C>G (p.Leu512Val) results in a conservative amino acid change in the encoded protein sequence. Three of five in-silico tools predict a benign effect of the variant on protein function. The variant allele was found at a frequency of 4e-06 in 250832 control chromosomes (gnomAD). The available data on variant occurrences in the general population are insufficient to allow any conclusion about variant significance. c.1534C>G has been reported in the literature in an individual affected with breast cancer (Lu_2015), but was also found in controls (Dorling_2021). One of these publications also reported experimental evidence evaluating an impact on protein function, and demonstrated no detrimental effect for this variant in a homology-directed repair (HDR) assay (Lu_2015). The following publications have been ascertained in the context of this evaluation (PMID: 26689913, 33471991). ClinVar contains an entry for this variant (Variation ID: 141741). Based on the evidence outlined above, the variant was classified as VUS-possibly benign.

All of Us Research Program, National Institutes of Health
Classification: Uncertain significance for Breast-ovarian cancer, familial, susceptibility to, 1. Last evaluated: 2023-05-15. Review status: criteria provided, single submitter. Criteria: ACMG Guidelines, 2015. Collection method: clinical testing. Allele origin: germline. Inheritance: Autosomal dominant inheritance. Observed: 1 variant allele, 1 heterozygote.
Comment: This study involves interpretation of variants in research participants for the purpose of population health screening. Participant phenotype was not available at the time of variant classification. Additional details can be found in publication PMID: 35346344, PMCID: PMC8962531

University of Washington Department of Laboratory Medicine, University of Washington
Classification: Likely benign for Hereditary cancer-predisposing syndrome. Last evaluated: 2023-03-23. Review status: criteria provided, single submitter. Criteria: Dines et al. (Genet Med. 2020). Collection method: curation. Allele origin: germline.
Comment: Missense variant in a coldspot region where missense variants are very unlikely to be pathogenic (PMID:31911673).

BRCA1 coldspot (exon 11 using historical exon numbering). Reclassification based on statistical prior probability

CeGaT Center for Human Genetics Tuebingen
Classification: Likely benign. Last evaluated: 2023-01-01. Review status: criteria provided, single submitter. Criteria: CeGaT Center For Human Genetics Tuebingen Variant Classification Criteria Version 2. Collection method: clinical testing. Allele origin: germline. Affected: yes. Observed: 1 variant allele.
Comment: BRCA1: BP1, BS3:Supporting

Quest Diagnostics Nichols Institute San Juan Capistrano
Classification: Uncertain significance. Last evaluated: 2021-07-01. Review status: criteria provided, single submitter. Criteria: Quest Diagnostics criteria. Collection method: clinical testing. Allele origin: unknown.

ARUP Laboratories, Molecular Genetics and Genomics, ARUP Laboratories
Classification: Uncertain significance. Last evaluated: 2020-06-15. Review status: criteria provided, single submitter. Criteria: ARUP Molecular Germline Variant Investigation Process. Collection method: clinical testing. Allele origin: germline.
Comment: The BRCA1 c.1534C>G; p.Leu512Val variant (rs41286294) is reported in the literature in a cohort of individuals affected with cancer, though it was not demonstrated to be disease-causing (Lu 2015). This variant is found on a single chromosome in the Genome Aggregation Database (1/250832 alleles), indicating it is not a common polymorphism. The leucine at codon 512 is highly conserved, and computational analyses (SIFT, PolyPhen-2) predict that this variant is deleterious. However, in an assay of homology-directed repair function, the p.Leu512Val variant exhibited activity comparable to wildtype BRCA1 (Lu 2015). Due to limited information, the clinical significance of the p.Leu512Val variant is uncertain at this time. References: Lu C et al. Patterns and functional implications of rare germline variants across 12 cancer types. Nat Commun. 2015;6:10086.

Counsyl
Classification: Uncertain significance for Breast-ovarian cancer, familial, susceptibility to, 1. Last evaluated: 2017-07-19. Review status: no assertion criteria provided. Collection method: clinical testing. Allele origin: unknown. Not counted in ClinVar's aggregate classification.

Literature cited by the submitters: PubMed 26689913 (cited by 5 submitters); PubMed 18273839 (cited by 3 submitters); PubMed 33471991 (cited by Women's Health and Genetics/Laboratory Corporation of America, LabCorp); PubMed 25348012 (cited by Quest Diagnostics Nichols Institute San Juan Capistrano).